The following is an entry in ClinVar:

ClinVar aggregate classification (germline): Uncertain significance (1 of 4 stars; one submission).

Conditions:
Cystic fibrosis (CF). Also called: MUCOVISCIDOSIS. Identifiers: Orphanet 586, MedGen C0010674, MONDO:0009061, OMIM 219700. Disease mechanism: loss of function.

Allele frequency attached by ClinVar (database versions not stated): TOPMed 0.00001.

Submission:

Research Unit of Respiratory Disease, The Second Xiangya Hospital of Central South University
Classification: Uncertain significance for Cystic fibrosis. Last evaluated: 2021-04-14. Review status: criteria provided, single submitter. Criteria: ACMG Guidelines, 2015. Collection method: research. Allele origin: inherited, germline. Inheritance: Autosomal recessive inheritance. Affected: yes and no. Observed: 4 variant alleles, 2 heterozygotes, 2 homozygotes. Clinical features observed: Bronchiectasis, Sinusitis.
Comment: Whole exome and Sanger sequencing identified a homozygous variant (NM_000492.4: c.1409T>A, p.(Val470Glu)) in the CFTR gene in 2 individuals from a family. Both patients have typical clinical manifestations of cystic fibrosis. It hadnâ€™t been recorded on the Cystic Fibrosis Mutation Database and was absent from gnomad population databases. The novel variant was predicted to be deleterious by SIFT and the CADD (CADD PHRED score=24.8). Located at the exon 11, the variant may affect the function of the nucleotide-binding domains 1 (NBD1) domain after translation. In summary, the Val470Glu variant was classified as uncertain significance.

NM_000492.4(CFTR):c.1409T>A (p.Val470Glu)

Genes: CFTR-AS1 (CFTR antisense RNA 1; minus strand), CFTR (CF transmembrane conductance regulator; plus strand). Cytogenetic location: 7q31.2.
Variant type: single nucleotide variant.
Coding change: c.1409T>A on transcript NM_000492.4 (MANE Select); coding-DNA position 1409, T replaced by A.
Protein change: p.Val470Glu; replaces valine 470 with glutamic acid.
Molecular consequence: missense variant.
Genome position (GRCh38, 1-based): chr7:117,559,480, T>A. VCF-style: chr7-117559480-T-A. GRCh37 (hg19) VCF-style: chr7-117199534-T-A.
Other names: short protein forms V470E.
Identifiers: ClinVar variation 1064446 (VCV001064446.2), dbSNP rs1261167416, ClinGen allele CA368984321.